The following is an entry in ClinVar:

NM_007294.4(BRCA1):c.3660T>G (p.Asp1220Glu)

Genes: BRCA1 (BRCA1 DNA repair associated; minus strand), LOC126862571 (BRD4-independent group 4 enhancer GRCh37_chr17:41243136-41244335; plus strand). Cytogenetic location: 17q21.31.
Variant type: single nucleotide variant.
Coding change: c.3660T>G on transcript NM_007294.4 (MANE Select); coding-DNA position 3660, T replaced by G.
Protein change: p.Asp1220Glu; replaces aspartic acid 1220 with glutamic acid.
Molecular consequence: missense variant. On other transcripts: intron variant (135).
Genome position (GRCh38, 1-based): chr17:43,091,871, A>C on the plus strand (T>G on the coding strand, the complement: BRCA1 is on the minus strand). VCF-style: chr17-43091871-A-C. GRCh37 (hg19) VCF-style: chr17-41243888-A-C.
Other names: c.3519T>G, p.Asp1173Glu (NM_001407697.1, NM_001407698.1, NM_001407724.1 and 29 more transcripts); c.3516T>G, p.Asp1172Glu (NM_001407842.1, NM_001407843.1, NM_001407844.1 and 20 more transcripts); c.3447T>G, p.Asp1149Glu (NM_001407571.1, NM_001407853.1, NM_001407894.1 and 9 more transcripts); c.3660T>G, p.Asp1220Glu (NM_001407581.1, NM_001407582.1, NM_001407583.1 and 30 more transcripts); c.3657T>G, p.Asp1219Glu (NM_001407587.1, NM_001407590.1, NM_001407591.1 and 22 more transcripts); c.3651T>G, p.Asp1217Glu (NM_001407646.1, NM_001407647.1); c.3537T>G, p.Asp1179Glu (NM_001407648.1, NM_001407664.1, NM_001407665.1 and 19 more transcripts); c.3534T>G, p.Asp1178Glu (NM_001407649.1, NM_001407670.1, NM_001407671.1 and 11 more transcripts); and 41 more; short protein forms D1173E, D1220E, D1092E, D1150E, D1153E, D1217E, D352E, D1132E.
Identifiers: ClinVar variation 1005942 (VCV001005942.12), dbSNP rs1365746397, ClinGen allele CA10594650.

ClinVar aggregate classification (germline): Conflicting classifications of pathogenicity. Review status: criteria provided, conflicting classifications (1 of 4 stars). 2 submissions from 2 submitters: Uncertain significance (1); Likely benign (1). Last evaluated 2023-10-05.

Conditions:
Hereditary cancer-predisposing syndrome. Also called: Hereditary neoplastic syndrome; Neoplastic Syndromes, Hereditary; Tumor predisposition; Hereditary Cancer Syndrome. Identifiers: Orphanet 140162, MedGen C0027672, MeSH D009386, MONDO:0015356.
Hereditary breast ovarian cancer syndrome. Also called: Hereditary breast and/or ovarian cancer syndrome; Hereditary breast and ovarian cancer syndrome; Hereditary breast and ovarian cancer syndrome (HBOC); Breast and ovarian cancer; BRCA1- and BRCA2-Associated Hereditary Breast and Ovarian Cancer; Hereditary breast and ovarian cancer. Identifiers: Orphanet 145, MedGen C0677776, MeSH D061325, MONDO:0003582. Disease mechanism: loss of function.

Submissions (2):

Labcorp Genetics (formerly Invitae), Labcorp
Classification: Uncertain significance for Hereditary breast ovarian cancer syndrome. Last evaluated: 2023-10-05. Review status: criteria provided, single submitter. Criteria: Invitae Variant Classification Sherloc (09022015). Collection method: clinical testing. Allele origin: germline.
Comment: This sequence change replaces aspartic acid, which is acidic and polar, with glutamic acid, which is acidic and polar, at codon 1220 of the BRCA1 protein (p.Asp1220Glu). This variant is not present in population databases (gnomAD no frequency). This variant has not been reported in the literature in individuals affected with BRCA1-related conditions. ClinVar contains an entry for this variant (Variation ID: 1005942). Advanced modeling of protein sequence and biophysical properties (such as structural, functional, and spatial information, amino acid conservation, physicochemical variation, residue mobility, and thermodynamic stability) performed at Invitae indicates that this missense variant is not expected to disrupt BRCA1 protein function. In summary, the available evidence is currently insufficient to determine the role of this variant in disease. Therefore, it has been classified as a Variant of Uncertain Significance.

University of Washington Department of Laboratory Medicine, University of Washington
Classification: Likely benign for Hereditary cancer-predisposing syndrome. Last evaluated: 2023-03-23. Review status: criteria provided, single submitter. Criteria: Dines et al. (Genet Med. 2020). Collection method: curation. Allele origin: germline.
Comment: Missense variant in a coldspot region where missense variants are very unlikely to be pathogenic (PMID:31911673).

BRCA1 coldspot (exon 11 using historical exon numbering). Reclassification based on statistical prior probability